The following is an entry in ClinVar:

NM_014633.5(CTR9):c.3157G>T (p.Ala1053Ser)

Gene: CTR9 (CTR9 component of Paf1/RNA polymerase II complex; plus strand). Cytogenetic location: 11p15.4.
Variant type: single nucleotide variant.
Coding change: c.3157G>T on transcript NM_014633.5 (MANE Select); coding-DNA position 3157, G replaced by T.
Protein change: p.Ala1053Ser; replaces alanine 1053 with serine.
Molecular consequence: missense variant.
Genome position (GRCh38, 1-based): chr11:10,778,740, G>T. VCF-style: chr11-10778740-G-T. GRCh37 (hg19) VCF-style: chr11-10800287-G-T.
Other names: c.3157G>T (NM_014633.3, NM_014633.4); c.3085G>T, p.Ala1029Ser (NM_001346279.2); short protein forms A1029S, A1053S.
Identifiers: ClinVar variation 1581513 (VCV001581513.12), dbSNP rs113891837, ClinGen allele CA5885531.

ClinVar aggregate classification (germline): Conflicting classifications of pathogenicity. Review status: criteria provided, conflicting classifications (1 of 4 stars). 3 submissions from 3 submitters: Uncertain significance (1); Likely benign (1). 1 of the submissions does not count toward it. Last evaluated 2025-07-15.

Conditions:
Inborn genetic diseases. Identifiers: MedGen C0950123, MeSH D030342.
CTR9-related disorder. Also called: CTR9-related condition.

Allele frequency attached by ClinVar (database versions not stated): gnomAD exomes 0.00004 and 0.00011; ExAC 0.00012; 1000 Genomes Project 30x 0.00031; 1000 Genomes Project 0.00040; gnomAD 0.00044 and 0.00050; TOPMed 0.00051; ESP Exome Variant Server 0.00069.
gnomAD v4.1: 133 of 1,614,178 alleles (0.0082%); highest among the groups gnomAD compares: African/African-American, 0.15%; no homozygotes.

Submissions (3):

Ambry Genetics
Classification: Uncertain significance for Inborn genetic diseases. Last evaluated: 2025-07-15. Review status: criteria provided, single submitter. Criteria: Ambry Variant Classification Scheme 2023. Collection method: clinical testing. Allele origin: germline.

Labcorp Genetics (formerly Invitae), Labcorp
Classification: Likely benign. Last evaluated: 2025-01-21. Review status: criteria provided, single submitter. Criteria: Invitae Variant Classification Sherloc (09022015). Collection method: clinical testing. Allele origin: germline.

PreventionGenetics, part of Exact Sciences
Classification: Likely benign for CTR9-related condition. Last evaluated: 2024-02-08. Review status: no assertion criteria provided. Collection method: clinical testing. Allele origin: germline. Not counted in ClinVar's aggregate classification.
Comment: This variant is classified as likely benign based on ACMG/AMP sequence variant interpretation guidelines (Richards et al. 2015 PMID: 25741868, with internal and published modifications).